The following is an entry in ClinVar:

ClinVar aggregate classification (germline): Likely benign. Review status: criteria provided, multiple submitters, no conflicts (2 of 4 stars). 2 submissions from 2 submitters: Likely benign (2). Last evaluated 2026-01-09.

Conditions:
Holoprosencephaly 5 (HPE5). Identifiers: Orphanet 2162, MedGen C1864827, MONDO:0012322, OMIM 609637.

Allele frequency attached by ClinVar (database versions not stated): gnomAD 0.00003; gnomAD exomes 0.00007; TOPMed 0.00007; ExAC 0.00019.
gnomAD v4.1: 110 of 1,551,774 alleles (0.0071%); highest among the groups gnomAD compares: Non-Finnish European, 0.0084%; no homozygotes.

Submissions (2):

Labcorp Genetics (formerly Invitae), Labcorp
Classification: Likely benign for Holoprosencephaly 5. Last evaluated: 2026-01-09. Review status: criteria provided, single submitter. Criteria: Invitae Variant Classification Sherloc (09022015). Collection method: clinical testing. Allele origin: germline.

CeGaT Center for Human Genetics Tuebingen
Classification: Likely benign. Last evaluated: 2024-11-01. Review status: criteria provided, single submitter. Criteria: CeGaT Center For Human Genetics Tuebingen Variant Classification Criteria Version 2. Collection method: clinical testing. Allele origin: germline. Affected: yes. Observed: 1 variant allele.
Comment: ZIC2: BP4, BP7

NM_007129.5(ZIC2):c.489A>G (p.Pro163=)

Gene: ZIC2 (Zic family zinc finger 2; plus strand). Cytogenetic location: 13q32.3.
Variant type: single nucleotide variant.
Coding change: c.489A>G on transcript NM_007129.5 (MANE Select); coding-DNA position 489, A replaced by G.
Protein change: p.Pro163=; no amino-acid change (proline 163 retained).
Molecular consequence: synonymous variant.
Genome position (GRCh38, 1-based): chr13:99,982,553, A>G. VCF-style: chr13-99982553-A-G. GRCh37 (hg19) VCF-style: chr13-100634807-A-G.
Identifiers: ClinVar variation 2058691 (VCV002058691.18), dbSNP rs770467365, ClinGen allele CA7032806.